The following is an entry in ClinVar:

ClinVar aggregate classification (germline): Uncertain significance (1 of 4 stars; one submission).

Conditions:
Charcot-Marie-Tooth disease axonal type 2O. Also called: CHARCOT-MARIE-TOOTH NEUROPATHY, AXONAL, TYPE 2O; CHARCOT-MARIE-TOOTH DISEASE, AXONAL, AUTOSOMAL DOMINANT, TYPE 2O; Charcot-Marie-Tooth Neuropathy Type 2O; Charcot-Marie-Tooth disease, axonal, type 20. Identifiers: Orphanet 284232, MedGen C3280220, MONDO:0013644, OMIM 614228.

Submission:

Labcorp Genetics (formerly Invitae), Labcorp
Classification: Uncertain significance for Charcot-Marie-Tooth disease axonal type 2O. Last evaluated: 2023-05-25. Review status: criteria provided, single submitter. Criteria: Invitae Variant Classification Sherloc (09022015). Collection method: clinical testing. Allele origin: germline.
Comment: In summary, the available evidence is currently insufficient to determine the role of this variant in disease. Therefore, it has been classified as a Variant of Uncertain Significance. Advanced modeling of protein sequence and biophysical properties (such as structural, functional, and spatial information, amino acid conservation, physicochemical variation, residue mobility, and thermodynamic stability) performed at Invitae indicates that this missense variant is not expected to disrupt DYNC1H1 protein function. This variant has not been reported in the literature in individuals affected with DYNC1H1-related conditions. This variant is not present in population databases (gnomAD no frequency). This sequence change replaces valine, which is neutral and non-polar, with leucine, which is neutral and non-polar, at codon 29 of the DYNC1H1 protein (p.Val29Leu).

NM_001376.5(DYNC1H1):c.85G>C (p.Val29Leu)

Gene: DYNC1H1 (dynein cytoplasmic 1 heavy chain 1; plus strand). Cytogenetic location: 14q32.31.
Variant type: single nucleotide variant.
Coding change: c.85G>C on transcript NM_001376.5 (MANE Select); coding-DNA position 85, G replaced by C.
Protein change: p.Val29Leu; replaces valine 29 with leucine.
Molecular consequence: missense variant.
Genome position (GRCh38, 1-based): chr14:101,964,776, G>C. VCF-style: chr14-101964776-G-C. GRCh37 (hg19) VCF-style: chr14-102431113-G-C.
Other names: short protein forms V29L.
Identifiers: ClinVar variation 2717113 (VCV002717113.3), dbSNP rs1352508759, ClinGen allele CA391003203.